The following is an entry in ClinVar:

NM_000551.4(VHL):c.93G>C (p.Glu31Asp)

Gene: VHL (von Hippel-Lindau tumor suppressor; plus strand). Cytogenetic location: 3p25.3.
Variant type: single nucleotide variant.
Coding change: c.93G>C on transcript NM_000551.4 (MANE Select); coding-DNA position 93, G replaced by C.
Protein change: p.Glu31Asp; replaces glutamic acid 31 with aspartic acid.
Molecular consequence: missense variant.
Genome position (GRCh38, 1-based): chr3:10,141,940, G>C. VCF-style: chr3-10141940-G-C. GRCh37 (hg19) VCF-style: chr3-10183624-G-C.
Other names: c.93G>C, p.Glu31Asp (NM_001354723.2, NM_198156.3); short protein forms E31D.
Identifiers: ClinVar variation 968522 (VCV000968522.13), dbSNP rs1438911242, ClinGen allele CA351747611.

ClinVar aggregate classification (germline): Conflicting classifications of pathogenicity. Review status: criteria provided, conflicting classifications (1 of 4 stars). 6 submissions from 6 submitters: Uncertain significance (4); Benign (1); Likely benign (1). Last evaluated 2025-11-14.

Conditions:
Chuvash polycythemia. Also called: POLYCYTHEMIA, VHL-DEPENDENT. Identifiers: Orphanet 238557, MedGen C1837915, MONDO:0009892, OMIM 263400.
Von Hippel-Lindau syndrome (VHLS). Also called: von Hippel–Lindau syndrome; VHL syndrome; Von Hippel-Lindau. Identifiers: Orphanet 892, MedGen C0019562, MONDO:0008667, OMIM 193300. Disease mechanism: loss of function.
Pheochromocytoma. Also called: MAX-Related Hereditary Paraganglioma-Pheochromocytoma Syndrome. Identifiers: Orphanet 29072, MedGen C0031511, MONDO:0008233, OMIM 171300, HP:0002666.
Nonpapillary renal cell carcinoma. Identifiers: Orphanet 422526, MedGen CN074294, MONDO:0007763, OMIM 144700.
Hereditary cancer-predisposing syndrome. Also called: Hereditary neoplastic syndrome; Hereditary Cancer Syndrome; Tumor predisposition; Neoplastic Syndromes, Hereditary. Identifiers: Orphanet 140162, MedGen C0027672, MeSH D009386, MONDO:0015356.

Allele frequency attached by ClinVar (database versions not stated): gnomAD exomes below 0.00001 and 0.00001; TOPMed 0.00001.
gnomAD v4.1: 2 of 1,541,478 alleles (0.00013%); highest among the groups gnomAD compares: East Asian, 0.0049%; no homozygotes.

Submissions (6):

Labcorp Genetics (formerly Invitae), Labcorp
Classification: Uncertain significance for Von Hippel-Lindau syndrome; Chuvash polycythemia. Last evaluated: 2025-11-14. Review status: criteria provided, single submitter. Criteria: Invitae Variant Classification Sherloc (09022015). Collection method: clinical testing. Allele origin: germline.
Comment: This sequence change replaces glutamic acid, which is acidic and polar, with aspartic acid, which is acidic and polar, at codon 31 of the VHL protein (p.Glu31Asp). This variant is present in population databases (no rsID available, gnomAD 0.02%). This variant has not been reported in the literature in individuals affected with VHL-related conditions. ClinVar contains an entry for this variant (Variation ID: 968522). Invitae Evidence Modeling of protein sequence and biophysical properties (such as structural, functional, and spatial information, amino acid conservation, physicochemical variation, residue mobility, and thermodynamic stability) indicates that this missense variant is not expected to disrupt VHL protein function with a negative predictive value of 95%. In summary, the available evidence is currently insufficient to determine the role of this variant in disease. Therefore, it has been classified as a Variant of Uncertain Significance.

Quest Diagnostics Nichols Institute San Juan Capistrano
Classification: Uncertain significance. Last evaluated: 2025-06-30. Review status: criteria provided, single submitter. Criteria: Quest Diagnostics criteria. Collection method: clinical testing. Allele origin: unknown.

Myriad Genetics, Inc.
Classification: Likely benign for Von Hippel-Lindau syndrome. Last evaluated: 2025-06-10. Review status: criteria provided, single submitter. Criteria: Myriad Autosomal Dominant, Autosomal Recessive and X-Linked Classification Criteria (2023). Collection method: clinical testing. Allele origin: unknown.
Comment: This variant is considered likely benign. This variant has been observed at a population frequency that is significantly greater than expected given the associated disease prevalence and penetrance.

Ambry Genetics
Classification: Benign for Hereditary cancer-predisposing syndrome. Last evaluated: 2025-05-12. Review status: criteria provided, single submitter. Criteria: Ambry Variant Classification Scheme 2023. Collection method: clinical testing. Allele origin: germline.

Fulgent Genetics
Classification: Uncertain significance for Nonpapillary renal cell carcinoma; Pheochromocytoma; Von Hippel-Lindau syndrome; Chuvash polycythemia. Last evaluated: 2024-05-23. Review status: criteria provided, single submitter. Criteria: ACMG Guidelines, 2015. Collection method: clinical testing. Allele origin: germline.

All of Us Research Program, National Institutes of Health
Classification: Uncertain significance for Von Hippel-Lindau syndrome. Last evaluated: 2024-04-16. Review status: criteria provided, single submitter. Criteria: ACMG Guidelines, 2015. Collection method: clinical testing. Allele origin: germline. Inheritance: Autosomal dominant inheritance. Observed: 2 variant alleles, 2 heterozygotes.
Comment: This missense variant replaces glutamic acid with aspartic acid at codon 31 of the VHL protein. Computational prediction suggests that this variant may not impact protein structure and function. To our knowledge, functional studies have not been reported for this variant. This variant has not been reported in individuals affected with VHL-related disorders in the literature. This variant has been identified in 2/145338 chromosomes in the general population by the Genome Aggregation Database (gnomAD). The available evidence is insufficient to determine the role of this variant in disease conclusively. Therefore, this variant is classified as a Variant of Uncertain Significance.

This study involves interpretation of variants in research participants for the purpose of population health screening. Participant phenotype was not available at the time of variant classification. Additional details can be found in publication PMID: 35346344, PMCID: PMC8962531